The following is an entry in ClinVar:

ClinVar aggregate classification (germline): Benign/Likely benign. Review status: criteria provided, multiple submitters, no conflicts (2 of 4 stars). 5 submissions from 5 submitters: Benign (2); Likely benign (3). Last evaluated 2026-07-09.

Conditions:
Hereditary cancer-predisposing syndrome. Also called: Hereditary Cancer Syndrome; Tumor predisposition; Hereditary neoplastic syndrome; Neoplastic Syndromes, Hereditary. Identifiers: Orphanet 140162, MedGen C0027672, MeSH D009386, MONDO:0015356.
Rhabdoid tumor predisposition syndrome 2 (RTPS2). Identifiers: Orphanet 231108, Orphanet 69077, MedGen C2750074, MONDO:0013224, OMIM 613325.

Allele frequency attached by ClinVar (database versions not stated): gnomAD exomes 0.00007 and 0.00010; TOPMed 0.00005; ExAC 0.00006; gnomAD 0.00007 and 0.00006; ESP Exome Variant Server 0.00031.
gnomAD v4.1: 155 of 1,613,752 alleles (0.0096%); highest among the groups gnomAD compares: Middle Eastern, 0.016%; no homozygotes.

Submissions (5):

Myriad Genetics, Inc.
Classification: Benign for Rhabdoid tumor predisposition syndrome 2. Last evaluated: 2026-07-09. Review status: criteria provided, single submitter. Criteria: Myriad Autosomal Dominant, Autosomal Recessive and X-Linked Classification Criteria (2023). Collection method: clinical testing. Allele origin: unknown.
Comment: This variant is considered benign. This variant is intronic and is not expected to impact mRNA splicing. This variant has been observed at a population frequency that is significantly greater than expected given the associated disease prevalence and penetrance.

Labcorp Genetics (formerly Invitae), Labcorp
Classification: Likely benign for Rhabdoid tumor predisposition syndrome 2. Last evaluated: 2026-01-31. Review status: criteria provided, single submitter. Criteria: Invitae Variant Classification Sherloc (09022015). Collection method: clinical testing. Allele origin: germline.

Quest Diagnostics Nichols Institute San Juan Capistrano
Classification: Likely benign. Last evaluated: 2025-06-02. Review status: criteria provided, single submitter. Criteria: Quest Diagnostics criteria. Collection method: clinical testing. Allele origin: unknown.

Sema4
Classification: Benign for Hereditary cancer-predisposing syndrome. Last evaluated: 2021-02-13. Review status: criteria provided, single submitter. Criteria: Sema4 Curation Guidelines. Collection method: curation. Allele origin: germline.

Genetic Services Laboratory, University of Chicago
Classification: Likely benign. Last evaluated: 2016-03-25. Review status: criteria provided, single submitter. Criteria: ACMG Guidelines, 2015. Collection method: clinical testing. Allele origin: germline. Affected: no.

NM_003072.5(SMARCA4):c.1119-6T>C

Gene: SMARCA4 (SWI/SNF related BAF chromatin remodeling complex subunit ATPase 4; plus strand). Cytogenetic location: 19p13.2.
Variant type: single nucleotide variant.
Coding change: c.1119-6T>C on transcript NM_003072.5 (MANE Select); 6 bases into the intron before coding-DNA position 1119, T replaced by C.
Molecular consequence: intron variant.
Genome position (GRCh38, 1-based): chr19:10,989,311, T>C. VCF-style: chr19-10989311-T-C. GRCh37 (hg19) VCF-style: chr19-11099987-T-C.
Other names: c.1119-6T>C (NM_001128844.3, NM_001128849.3, NM_001128847.4 and 5 more transcripts).
Identifiers: ClinVar variation 238364 (VCV000238364.18), dbSNP rs368180712, ClinGen allele CA9203701.